The following is an entry in ClinVar:

NM_015158.5(KANK1):c.325G>A (p.Ala109Thr)

Gene: KANK1 (KN motif and ankyrin repeat domains 1; plus strand). Cytogenetic location: 9p24.3.
Variant type: single nucleotide variant.
Coding change: c.325G>A on transcript NM_015158.5 (MANE Select); coding-DNA position 325, G replaced by A.
Protein change: p.Ala109Thr; replaces alanine 109 with threonine.
Molecular consequence: missense variant. On other transcripts: 5 prime UTR variant (12), non-coding transcript variant (1).
Genome position (GRCh38, 1-based): chr9:711,091, G>A. VCF-style: chr9-711091-G-A. GRCh37 (hg19) VCF-style: chr9-711091-G-A.
Other names: c.325G>A (NM_015158.2); c.325G>A, p.Ala109Thr (NM_001256876.3, NM_001256877.3, NM_001354331.2 and 2 more transcripts); c.-150G>A (NM_001354333.2, NM_001354335.2, NM_001354336.2 and 9 more transcripts); short protein forms A109T.
Identifiers: ClinVar variation 1517852 (VCV001517852.7), dbSNP rs1165992354, ClinGen allele CA372745938.
Genomic context (GRCh38, chr9:711,091, plus strand): 5'-ACTGAATCCCTCTCATCCTCCAACAGTGATGACAACAAGCAGTGCCCCAACTTCCTCATA[G>A]CCAGAAGTCAAGTTACATCAACTCCAATCTCAAAGCCACCTCCCCCTCTGGAGACCTCAC-3'
Protein context (NP_055973.2, residues 99-119): DNKQCPNFLI[Ala109Thr]RSQVTSTPIS

ClinVar aggregate classification (germline): Uncertain significance. Review status: criteria provided, multiple submitters, no conflicts (2 of 4 stars). 2 submissions from 2 submitters: Uncertain significance (2). Last evaluated 2024-03-19.

Allele frequency attached by ClinVar (database versions not stated): gnomAD 0.00001.
gnomAD v4.1: 3 of 1,614,082 alleles (0.00019%); highest among the groups gnomAD compares: Non-Finnish European, 0.00025%; no homozygotes.

Submissions (2):

Ambry Genetics
Classification: Uncertain significance. Last evaluated: 2024-03-19. Review status: criteria provided, single submitter. Criteria: Ambry Variant Classification Scheme 2023. Collection method: clinical testing. Allele origin: germline.

Labcorp Genetics (formerly Invitae), Labcorp
Classification: Uncertain significance. Last evaluated: 2021-08-28. Review status: criteria provided, single submitter. Criteria: Invitae Variant Classification Sherloc (09022015). Collection method: clinical testing. Allele origin: germline.
Comment: In summary, the available evidence is currently insufficient to determine the role of this variant in disease. Therefore, it has been classified as a Variant of Uncertain Significance. Algorithms developed to predict the effect of missense changes on protein structure and function output the following: SIFT: "Deleterious"; PolyPhen-2: "Benign"; Align-GVGD: "Class C0". The threonine amino acid residue is found in multiple mammalian species, which suggests that this missense change does not adversely affect protein function. This variant has not been reported in the literature in individuals affected with KANK1-related conditions. This variant is not present in population databases (ExAC no frequency). This sequence change replaces alanine with threonine at codon 109 of the KANK1 protein (p.Ala109Thr). The alanine residue is moderately conserved and there is a small physicochemical difference between alanine and threonine.